The following is an entry in ClinVar:

NM_133497.4(KCNV2):c.1317C>T (p.Thr439=)

Gene: KCNV2 (potassium voltage-gated channel modifier subfamily V member 2; plus strand). Cytogenetic location: 9p24.2.
Variant type: single nucleotide variant.
Coding change: c.1317C>T on transcript NM_133497.4 (MANE Select); coding-DNA position 1317, C replaced by T.
Protein change: p.Thr439=; no amino-acid change (threonine 439 retained).
Molecular consequence: synonymous variant.
Genome position (GRCh38, 1-based): chr9:2,719,056, C>T. VCF-style: chr9-2719056-C-T. GRCh37 (hg19) VCF-style: chr9-2719056-C-T.
Other names: c.1317C>T (NM_133497.3).
Identifiers: ClinVar variation 4902505 (VCV004902505.2).

ClinVar aggregate classification (germline): Conflicting classifications of pathogenicity. Review status: criteria provided, conflicting classifications (1 of 4 stars). 2 submissions from 2 submitters: Uncertain significance (1); Likely benign (1). Last evaluated 2026-07-02.

Conditions:
KCNV2-related disorder. Also called: KCNV2-related condition.

gnomAD v4.1: 16 of 1,612,228 alleles (0.00099%); highest among the groups gnomAD compares: African/African-American, 0.021%; no homozygotes.

Submissions (2):

PreventionGenetics, part of Exact Sciences
Classification: Likely benign for KCNV2-related condition. Last evaluated: 2026-07-02. Review status: criteria provided, single submitter. Criteria: ACMG Guidelines, 2015. Collection method: clinical testing. Allele origin: germline.
Comment: This variant is classified as likely benign based on ACMG/AMP sequence variant interpretation guidelines (Richards et al. 2015 PMID: 25741868, with internal and published modifications).

Blueprint Genetics
Classification: Uncertain significance. Last evaluated: 2022-04-09. Review status: criteria provided, single submitter. Criteria: ACMG Guidelines, 2015. Collection method: clinical testing. Allele origin: germline.